The following is an entry in ClinVar:

NM_001429.4(EP300):c.5726C>A (p.Thr1909Asn)

Gene: EP300 (EP300 lysine acetyltransferase; plus strand). Cytogenetic location: 22q13.2.
Variant type: single nucleotide variant.
Coding change: c.5726C>A on transcript NM_001429.4 (MANE Select); coding-DNA position 5726, C replaced by A.
Protein change: p.Thr1909Asn; replaces threonine 1909 with asparagine.
Molecular consequence: missense variant.
Genome position (GRCh38, 1-based): chr22:41,177,437, C>A. VCF-style: chr22-41177437-C-A. GRCh37 (hg19) VCF-style: chr22-41573441-C-A.
Other names: c.5648C>A, p.Thr1883Asn (NM_001362843.2); short protein forms T1883N, T1909N.
Identifiers: ClinVar variation 2628932 (VCV002628932.2), dbSNP rs759814127, ClinGen allele CA10253699.

ClinVar aggregate classification (germline): Uncertain significance (1 of 4 stars; one submission).

Conditions:
EP300-related disorder. Also called: EP300-related disorders; EP300-related condition.

Allele frequency attached by ClinVar (database versions not stated): TOPMed 0.00001; gnomAD 0.00004.
gnomAD v4.1: 6 of 1,614,064 alleles (0.00037%); highest among the groups gnomAD compares: African/African-American, 0.008%; no homozygotes.

Submission:

PreventionGenetics, part of Exact Sciences
Classification: Uncertain significance for EP300-related condition. Last evaluated: 2026-06-12. Review status: criteria provided, single submitter. Criteria: ACMG Guidelines, 2015. Collection method: clinical testing. Allele origin: germline.
Comment: The EP300 c.5726C>A variant is predicted to result in the amino acid substitution p.Thr1909Asn. To our knowledge, this variant has not been reported in the literature. This variant is reported in 0.018% of alleles in individuals of African descent in gnomAD. At this time, the clinical significance of this variant is uncertain due to the absence of conclusive functional and genetic evidence.